The following is an entry in ClinVar:

NM_002470.4(MYH3):c.4155A>G (p.Glu1385=)

Gene: MYH3 (myosin heavy chain 3; minus strand). Cytogenetic location: 17p13.1.
Variant type: single nucleotide variant.
Coding change: c.4155A>G on transcript NM_002470.4 (MANE Select); coding-DNA position 4155, A replaced by G.
Protein change: p.Glu1385=; no amino-acid change (glutamic acid 1385 retained).
Molecular consequence: synonymous variant.
Genome position (GRCh38, 1-based): chr17:10,635,384, T>C on the plus strand (A>G on the coding strand, the complement: MYH3 is on the minus strand). VCF-style: chr17-10635384-T-C. GRCh37 (hg19) VCF-style: chr17-10538701-T-C.
Identifiers: ClinVar variation 129662 (VCV000129662.28), dbSNP rs58343499, ClinGen allele CA153801.

ClinVar aggregate classification (germline): Benign. Review status: criteria provided, multiple submitters, no conflicts (2 of 4 stars). 9 submissions from 8 submitters: Benign (6). 3 of the submissions do not count toward it. Last evaluated 2026-02-01.

Conditions:
Distal arthrogryposis type 2B1 (DA2B1). Also called: Arthrogryposis multiplex congenita distal type II with craniofacial abnormalities. Identifiers: Orphanet 1147, MedGen C5193014, MONDO:0020820, OMIM 601680.
Freeman-Sheldon syndrome (DA2A). Also called: CRANIOCARPOTARSAL DYSPLASIA; CRANIOCARPOTARSAL DYSTROPHY; Arthrogryposis, distal, type 2A (Freeman-Sheldon); WHISTLING FACE-WINDMILL VANE HAND SYNDROME. Identifiers: Orphanet 2053, MedGen C0265224, MONDO:0008675, OMIM 193700.

Allele frequency attached by ClinVar (database versions not stated): gnomAD exomes 0.00232 and 0.00700; ExAC 0.00802; gnomAD 0.02068 and 0.02173; TOPMed 0.02255; ESP Exome Variant Server 0.02583; 1000 Genomes Project 0.02736; 1000 Genomes Project 30x 0.02889.
gnomAD v4.1: 6,727 of 1,614,020 alleles (0.42%); highest among the groups gnomAD compares: African/African-American, 6.9%; 183 homozygotes.

Submissions (9):

Labcorp Genetics (formerly Invitae), Labcorp
Classification: Benign. Last evaluated: 2026-02-01. Review status: criteria provided, single submitter. Criteria: Invitae Variant Classification Sherloc (09022015). Collection method: clinical testing. Allele origin: germline.

GeneDx
Classification: Benign. Last evaluated: 2020-08-04. Review status: criteria provided, single submitter. Criteria: GeneDx Variant Classification Process June 2021. Collection method: clinical testing. Allele origin: germline. Affected: yes.

Illumina Laboratory Services, Illumina
Classification: Benign for Freeman-Sheldon syndrome. Last evaluated: 2018-01-12. Review status: criteria provided, single submitter. Criteria: ICSL Variant Classification Criteria 13 December 2019. Collection method: clinical testing. Allele origin: germline.
Comment: This variant was observed in the ICSL laboratory as part of a predisposition screen in an ostensibly healthy population. It had not been previously curated by ICSL or reported in the Human Gene Mutation Database (HGMD: prior to June 1st, 2018), and was therefore a candidate for classification through an automated scoring system. Utilizing variant allele frequency, disease prevalence and penetrance estimates, and inheritance mode, an automated score was calculated to assess if this variant is too frequent to cause the disease. Based on the score and internal cut-off values, a variant classified as benign is not then subjected to further curation. The score for this variant resulted in a classification of benign for this disease.

Illumina Laboratory Services, Illumina
Classification: Benign for Distal arthrogryposis type 2B1. Last evaluated: 2018-01-12. Review status: criteria provided, single submitter. Criteria: ICSL Variant Classification Criteria 13 December 2019. Collection method: clinical testing. Allele origin: germline.
Comment: the same text as in the submission from Illumina Laboratory Services, Illumina above.

Breakthrough Genomics
Classification: Benign. Review status: criteria provided, single submitter. Criteria: ACMG Guidelines, 2015. Collection method: not provided. Allele origin: germline. Inheritance: Autosomal recessive inheritance. Affected: yes.

PreventionGenetics, part of Exact Sciences
Classification: Benign. Review status: criteria provided, single submitter. Criteria: ACMG Guidelines, 2015. Collection method: clinical testing. Allele origin: germline.

Clinical Genetics, Academic Medical Center
Classification: Benign. Review status: no assertion criteria provided. Collection method: clinical testing. Allele origin: germline. Affected: yes. Study: VKGL Data-share Consensus. Not counted in ClinVar's aggregate classification.

Genetic Services Laboratory, University of Chicago
Classification: Likely benign for AllHighlyPenetrant. Review status: no assertion criteria provided. Collection method: clinical testing. Allele origin: germline. Inheritance: Autosomal dominant inheritance. Not counted in ClinVar's aggregate classification.
Comment: Likely benign based on allele frequency in 1000 Genomes Project or ESP global frequency and its presence in a patient with a rare or unrelated disease phenotype. NOT Sanger confirmed.

Joint Genome Diagnostic Labs from Nijmegen and Maastricht, Radboudumc and MUMC+
Classification: Benign. Review status: no assertion criteria provided. Collection method: clinical testing. Allele origin: germline. Affected: yes. Study: VKGL Data-share Consensus. Not counted in ClinVar's aggregate classification.